The following is an entry in ClinVar:

ClinVar aggregate classification (germline): Uncertain significance. Review status: criteria provided, multiple submitters, no conflicts (2 of 4 stars). 5 submissions from 4 submitters: Uncertain significance (5). Last evaluated 2026-09-11.

Conditions:
Familial hypobetalipoproteinemia 1. Also called: Hypobetalipoproteinemia, normotriglyceridemic; Acanthocytosis with hypobetalipoproteinemia; APOB-Related Familial Hypobetalipoproteinemia. Identifiers: MedGen C4551990, MONDO:0014252, OMIM 615558.
Hypercholesterolemia, autosomal dominant, type B (FHCL2). Also called: APOLIPOPROTEIN B-100, FAMILIAL DEFECTIVE; APOLIPOPROTEIN B-100, FAMILIAL LIGAND-DEFECTIVE; APOB-Related Familial Hypercholesterolemia, Autosomal Dominant; Familial Hypercholesterolemia Type B; Hyperlipoproteinemia Type IIb; Familial hypercholesterolemia 2. Identifiers: MedGen C1704417, MONDO:0007751, OMIM 144010.
Cardiovascular phenotype. Identifiers: MedGen CN230736.

Allele frequency attached by ClinVar (database versions not stated): gnomAD 0.00001; TOPMed below 0.00001; gnomAD exomes 0.00001.
gnomAD v4.1: 9 of 1,613,868 alleles (0.00056%); highest among the groups gnomAD compares: African/African-American, 0.0027%; no homozygotes.

Submissions (5):

Ambry Genetics
Classification: Uncertain significance for Cardiovascular phenotype. Last evaluated: 2026-09-11. Review status: criteria provided, single submitter. Criteria: Ambry Variant Classification Scheme 2023. Collection method: clinical testing. Allele origin: germline.
Comment: The p.P3981L variant (also known as c.11942C>T), located in coding exon 28 of the APOB gene, results from a C to T substitution at nucleotide position 11942. The proline at codon 3981 is replaced by leucine, an amino acid with similar properties. This amino acid position is conserved. In addition, this alteration is predicted to be tolerated by in silico analysis. Based on the available evidence, the clinical significance of this variant remains unclear.

Labcorp Genetics (formerly Invitae), Labcorp
Classification: Uncertain significance for Familial hypobetalipoproteinemia 1; Hypercholesterolemia, autosomal dominant, type B. Last evaluated: 2025-04-17. Review status: criteria provided, single submitter. Criteria: Invitae Variant Classification Sherloc (09022015). Collection method: clinical testing. Allele origin: germline.
Comment: This sequence change replaces proline, which is neutral and non-polar, with leucine, which is neutral and non-polar, at codon 3981 of the APOB protein (p.Pro3981Leu). This variant is present in population databases (no rsID available, gnomAD 0.002%). This variant has not been reported in the literature in individuals affected with APOB-related conditions. ClinVar contains an entry for this variant (Variation ID: 334086). Invitae Evidence Modeling of protein sequence and biophysical properties (such as structural, functional, and spatial information, amino acid conservation, physicochemical variation, residue mobility, and thermodynamic stability) indicates that this missense variant is not expected to disrupt APOB protein function with a negative predictive value of 95%. In summary, the available evidence is currently insufficient to determine the role of this variant in disease. Therefore, it has been classified as a Variant of Uncertain Significance.

GeneDx
Classification: Uncertain significance. Last evaluated: 2025-03-02. Review status: criteria provided, single submitter. Criteria: GeneDx Variant Classification Process June 2021. Collection method: clinical testing. Allele origin: germline. Affected: yes.
Comment: Not observed at significant frequency in large population cohorts (gnomAD); In silico analysis supports that this missense variant has a deleterious effect on protein structure/function; Has not been previously published as pathogenic or benign to our knowledge

Illumina Laboratory Services, Illumina
Classification: Uncertain significance for Familial hypobetalipoproteinemia 1. Last evaluated: 2018-01-12. Review status: criteria provided, single submitter. Criteria: ICSL Variant Classification Criteria 13 December 2019. Collection method: clinical testing. Allele origin: germline.

Illumina Laboratory Services, Illumina
Classification: Uncertain significance for Hypercholesterolemia, autosomal dominant, type B. Last evaluated: 2018-01-12. Review status: criteria provided, single submitter. Criteria: ICSL Variant Classification Criteria 13 December 2019. Collection method: clinical testing. Allele origin: germline.

NM_000384.3(APOB):c.11942C>T (p.Pro3981Leu)

Gene: APOB (apolipoprotein B; minus strand). Cytogenetic location: 2p24.1.
Variant type: single nucleotide variant.
Coding change: c.11942C>T on transcript NM_000384.3 (MANE Select); coding-DNA position 11942, C replaced by T.
Protein change: p.Pro3981Leu; replaces proline 3981 with leucine.
Molecular consequence: missense variant.
Genome position (GRCh38, 1-based): chr2:21,004,414, G>A on the plus strand (C>T on the coding strand, the complement: APOB is on the minus strand). VCF-style: chr2-21004414-G-A. GRCh37 (hg19) VCF-style: chr2-21227286-G-A.
Other names: short protein forms P3981L.
Identifiers: ClinVar variation 334086 (VCV000334086.9), dbSNP rs886055575, ClinGen allele CA10613904.
Genomic context (GRCh38, chr2:21,004,414, plus strand): 5'-GCTGAGGTGGAGATGCCTTTCTTGTCTTTCTGGTAGCGCAGATGGAGATCGGTGAACGCT[G>A]GGCTTTTGATATTGAGGTGCGCTTTTCCTTCCCATTCCCTGAAAGCAGAAAAACAGATGA-3'
Protein context (NP_000375.3, residues 3971-3991): EGKAHLNIKS[Pro3981Leu]AFTDLHLRYQ